The following is an entry in ClinVar:

NM_020184.4(CNNM4):c.1781A>G (p.Asn594Ser)

Gene: CNNM4 (cyclin and CBS domain divalent metal cation transport mediator 4; plus strand). Cytogenetic location: 2q11.2.
Variant type: single nucleotide variant.
Coding change: c.1781A>G on transcript NM_020184.4 (MANE Select); coding-DNA position 1781, A replaced by G.
Protein change: p.Asn594Ser; replaces asparagine 594 with serine.
Molecular consequence: missense variant.
Genome position (GRCh38, 1-based): chr2:96,799,156, A>G. VCF-style: chr2-96799156-A-G. GRCh37 (hg19) VCF-style: chr2-97464893-A-G.
Other names: short protein forms N594S.
Identifiers: ClinVar variation 1047371 (VCV001047371.8), dbSNP rs756439848, ClinGen allele CA1783467.

ClinVar aggregate classification (germline): Uncertain significance (1 of 4 stars; one submission).

Allele frequency attached by ClinVar (database versions not stated): gnomAD below 0.00001 and 0.00001; gnomAD exomes below 0.00001 and 0.00001; ExAC 0.00001; TOPMed 0.00002.

Submission:

Labcorp Genetics (formerly Invitae), Labcorp
Classification: Uncertain significance. Last evaluated: 2021-04-29. Review status: criteria provided, single submitter. Criteria: Invitae Variant Classification Sherloc (09022015). Collection method: clinical testing. Allele origin: germline.
Comment: In summary, the available evidence is currently insufficient to determine the role of this variant in disease. Therefore, it has been classified as a Variant of Uncertain Significance. Algorithms developed to predict the effect of sequence changes on RNA splicing suggest that this variant may create or strengthen a splice site, but this prediction has not been confirmed by published transcriptional studies. Algorithms developed to predict the effect of missense changes on protein structure and function (SIFT, PolyPhen-2, Align-GVGD) all suggest that this variant is likely to be tolerated, but these predictions have not been confirmed by published functional studies and their clinical significance is uncertain. This variant has been observed in individual(s) with Jalili syndrome (PMID: 27070327). ClinVar contains an entry for this variant (Variation ID: 1047371). This variant is present in population databases (rs756439848, ExAC 0.009%). This sequence change replaces asparagine with serine at codon 594 of the CNNM4 protein (p.Asn594Ser). The asparagine residue is moderately conserved and there is a small physicochemical difference between asparagine and serine.

Literature cited by the submitters: PubMed 27070327.